The following is an entry in ClinVar:

NM_000051.4(ATM):c.3447T>C (p.Asn1149=)

Gene: ATM (ATM serine/threonine kinase; plus strand). Cytogenetic location: 11q22.3.
Variant type: single nucleotide variant.
Coding change: c.3447T>C on transcript NM_000051.4 (MANE Select); coding-DNA position 3447, T replaced by C.
Protein change: p.Asn1149=; no amino-acid change (asparagine 1149 retained).
Molecular consequence: synonymous variant.
Genome position (GRCh38, 1-based): chr11:108,281,039, T>C. VCF-style: chr11-108281039-T-C. GRCh37 (hg19) VCF-style: chr11-108151766-T-C.
Other names: c.3447T>C, p.Asn1149= (NM_001351834.2).
Identifiers: ClinVar variation 185632 (VCV000185632.16), dbSNP rs763473729, ClinGen allele CA192470.

ClinVar aggregate classification (germline): Conflicting classifications of pathogenicity. Review status: criteria provided, conflicting classifications (1 of 4 stars). 6 submissions from 6 submitters: Uncertain significance (1); Benign (1); Likely benign (4). Last evaluated 2026-01-16.

Conditions:
Hereditary cancer-predisposing syndrome. Also called: Tumor predisposition; Neoplastic Syndromes, Hereditary; Hereditary neoplastic syndrome; Hereditary Cancer Syndrome. Identifiers: Orphanet 140162, MedGen C0027672, MeSH D009386, MONDO:0015356.
Familial cancer of breast. Also called: BREAST CANCER, FAMILIAL; hereditary breast carcinoma; Hereditary breast cancer. Identifiers: Orphanet 227535, MedGen C0346153, MONDO:0016419, OMIM 114480. Disease mechanism: loss of function.
Ataxia-telangiectasia syndrome (AT). Also called: LOUIS-BAR SYNDROME; Ataxia-telangiectasia, complementation group D; AT, COMPLEMENTATION GROUP C; ATAXIA-TELANGIECTASIA, COMPLEMENTATION GROUP A; ATAXIA-TELANGIECTASIA, FRESNO VARIANT; Ataxia-telangiectasia. Identifiers: Orphanet 100, MedGen C0004135, MONDO:0008840, OMIM 208900.

Allele frequency attached by ClinVar (database versions not stated): ExAC 0.00001.

Submissions (6):

Labcorp Genetics (formerly Invitae), Labcorp
Classification: Likely benign for Ataxia-telangiectasia syndrome. Last evaluated: 2026-01-16. Review status: criteria provided, single submitter. Criteria: Invitae Variant Classification Sherloc (09022015). Collection method: clinical testing. Allele origin: germline.

Myriad Genetics, Inc.
Classification: Benign for Familial cancer of breast. Last evaluated: 2024-05-14. Review status: criteria provided, single submitter. Criteria: Myriad Autosomal Dominant, Autosomal Recessive and X-Linked Classification Criteria (2023). Collection method: clinical testing. Allele origin: unknown.
Comment: This variant is considered benign. This variant is a silent/synonymous amino acid change and it is not expected to impact splicing.

Blueprint Genetics
Classification: Likely benign. Last evaluated: 2024-03-26. Review status: criteria provided, single submitter. Criteria: ACMG Guidelines, 2015. Collection method: clinical testing. Allele origin: germline.

Sema4
Classification: Uncertain significance for Hereditary cancer-predisposing syndrome. Last evaluated: 2022-02-22. Review status: criteria provided, single submitter. Criteria: Sema4 Curation Guidelines. Collection method: curation. Allele origin: germline.
Comment: The ATM c.3447T>C (p.N1149=) variant has not been reported in the literature to our knowledge. This variant is not reported in the population database Genome Aggregation Database (PMID: 32461654). The variant has been reported in ClinVar (Variation ID 185632). In silico tools suggest the variant may strengthen a cryptic splice site, though these predictions have not been confirmed by functional studies. The evidence is insufficient to meet ACMG/AMP criteria for classifying the variant as benign or pathogenic. Thus, the clinical significance of this variant is currently uncertain.

GeneDx
Classification: Likely benign. Last evaluated: 2018-10-25. Review status: criteria provided, single submitter. Criteria: GeneDx Variant Classification Process June 2021. Collection method: clinical testing. Allele origin: germline. Affected: yes.

Ambry Genetics
Classification: Likely benign for Hereditary cancer-predisposing syndrome. Last evaluated: 2014-07-21. Review status: criteria provided, single submitter. Criteria: Ambry Variant Classification Scheme 2023. Collection method: clinical testing. Allele origin: germline.